The following is an entry in ClinVar:

ClinVar aggregate classification (germline): Likely pathogenic (1 of 4 stars; one submission).

Conditions:
Intellectual developmental disorder 62. Also called: INTELLECTUAL DEVELOPMENTAL DISORDER, AUTOSOMAL DOMINANT 62; MENTAL RETARDATION, AUTOSOMAL DOMINANT 62. Identifiers: MedGen C5394083, MONDO:0032919, OMIM 618793.

Submission:

Laboratorio de Genetica e Diagnostico Molecular, Hospital Israelita Albert Einstein
Classification: Likely pathogenic for Intellectual developmental disorder 62. Last evaluated: 2024-09-12. Review status: criteria provided, single submitter. Criteria: ACMG Guidelines, 2015. Collection method: clinical testing. Allele origin: germline. Affected: yes.
Comment: ACMG classification criteria: PVS1 very strong, PM2 supporting

NM_001321075.3(DLG4):c.1935del (p.Ile646fs)

Gene: DLG4 (discs large MAGUK scaffold protein 4; minus strand). Cytogenetic location: 17p13.1.
Variant type: Deletion.
Coding change: c.1935del on transcript NM_001321075.3 (MANE Select); coding-DNA position 1935, one base deleted (C; older notation c.1935delC).
Protein change: p.Ile646fs; shifts the reading frame from isoleucine 646.
Molecular consequence: frameshift variant.
Genome position (GRCh38, 1-based): chr17:7,191,934, G deleted on the plus strand (C on the coding strand, the reverse complement: DLG4 is on the minus strand); the first of 4 consecutive G bases (chr17:7,191,934-7,191,937); deleting any one gives the same sequence. VCF-style (leftmost placement, unchanged base first): chr17-7191933-TG-T. GRCh37 (hg19) VCF-style: chr17-7095252-TG-T.
Other names: c.1926del, p.Ile643fs (NM_001128827.4); c.2055del, p.Ile686fs (NM_001321074.1); c.1755del, p.Ile586fs (NM_001321076.3, NM_001321077.3); c.2064del, p.Ile689fs (NM_001365.5); c.1854del, p.Ile619fs (NM_001369566.3); short protein forms I586fs, I619fs, I643fs, I646fs, I686fs, I689fs.
Identifiers: ClinVar variation 3901955 (VCV003901955.1).